The following is an entry in ClinVar:

NM_001161352.2(KCNMA1):c.427A>C (p.Lys143Gln)

Gene: KCNMA1 (potassium calcium-activated channel subfamily M alpha 1; minus strand). Cytogenetic location: 10q22.3.
Variant type: single nucleotide variant.
Coding change: c.427A>C on transcript NM_001161352.2 (MANE Select); coding-DNA position 427, A replaced by C.
Protein change: p.Lys143Gln; replaces lysine 143 with glutamine.
Molecular consequence: missense variant. On other transcripts: intron variant (1).
Genome position (GRCh38, 1-based): chr10:77,403,975, T>G on the plus strand (A>C on the coding strand, the complement: KCNMA1 is on the minus strand). VCF-style: chr10-77403975-T-G. GRCh37 (hg19) VCF-style: chr10-79163733-T-G.
Other names: c.427A>C, p.Lys143Gln (NM_001014797.3, NM_001161353.2, NM_001271519.2 and 9 more transcripts); c.559A>C, p.Lys187Gln (NM_001437422.1); c.379-152719A>C (NM_001271518.2); short protein forms K187Q, K143Q.
Identifiers: ClinVar variation 4087840 (VCV004087840.1).

ClinVar aggregate classification (germline): Uncertain significance (1 of 4 stars; one submission).

Submission:

GeneDx
Classification: Uncertain significance. Last evaluated: 2025-03-24. Review status: criteria provided, single submitter. Criteria: GeneDx Variant Classification Process June 2021. Collection method: clinical testing. Allele origin: germline. Affected: yes.
Comment: Not observed at significant frequency in large population cohorts (gnomAD); In silico analysis indicates that this missense variant does not alter protein structure/function; Has not been previously published as pathogenic or benign to our knowledge